The following is an entry in ClinVar:

ClinVar aggregate classification (germline): Uncertain significance (1 of 4 stars; one submission).

Conditions:
Cardiovascular phenotype. Identifiers: MedGen CN230736.

Submission:

Ambry Genetics
Classification: Uncertain significance for Cardiovascular phenotype. Last evaluated: 2025-06-28. Review status: criteria provided, single submitter. Criteria: Ambry Variant Classification Scheme 2023. Collection method: clinical testing. Allele origin: germline.
Comment: The p.Y621N variant (also known as c.1861T>A), located in coding exon 5 of the ALPK3 gene, results from a T to A substitution at nucleotide position 1861. The tyrosine at codon 621 is replaced by asparagine, an amino acid with dissimilar properties. This amino acid position is conserved. In addition, the in silico prediction for this alteration is inconclusive. Based on the available evidence, the clinical significance of this variant remains unclear.

NM_020778.5(ALPK3):c.1255T>A (p.Tyr419Asn)

Gene: ALPK3 (alpha kinase 3; plus strand). Cytogenetic location: 15q25.3.
Variant type: single nucleotide variant.
Coding change: c.1255T>A on transcript NM_020778.5 (MANE Select); coding-DNA position 1255, T replaced by A.
Protein change: p.Tyr419Asn; replaces tyrosine 419 with asparagine.
Molecular consequence: missense variant.
Genome position (GRCh38, 1-based): chr15:84,840,534, T>A. VCF-style: chr15-84840534-T-A. GRCh37 (hg19) VCF-style: chr15-85383765-T-A.
Other names: short protein forms Y419N.
Identifiers: ClinVar variation 4088796 (VCV004088796.1).